The following is an entry in ClinVar:

ClinVar aggregate classification (germline): Uncertain significance. Review status: criteria provided, multiple submitters, no conflicts (2 of 4 stars). 2 submissions from 2 submitters: Uncertain significance (2). Last evaluated 2024-10-27.

Allele frequency attached by ClinVar (database versions not stated): gnomAD exomes 0.00003; ExAC 0.00004.
gnomAD v4.1: 13 of 1,614,178 alleles (0.00081%); highest among the groups gnomAD compares: South Asian, 0.012%; no homozygotes.

Submissions (2):

Labcorp Genetics (formerly Invitae), Labcorp
Classification: Uncertain significance. Last evaluated: 2024-10-27. Review status: criteria provided, single submitter. Criteria: Invitae Variant Classification Sherloc (09022015). Collection method: clinical testing. Allele origin: germline.
Comment: This sequence change replaces alanine, which is neutral and non-polar, with valine, which is neutral and non-polar, at codon 581 of the POLE protein (p.Ala581Val). This variant is present in population databases (rs753890723, gnomAD 0.02%). This variant has not been reported in the literature in individuals affected with POLE-related conditions. ClinVar contains an entry for this variant (Variation ID: 1430525). Invitae Evidence Modeling of protein sequence and biophysical properties (such as structural, functional, and spatial information, amino acid conservation, physicochemical variation, residue mobility, and thermodynamic stability) indicates that this missense variant is not expected to disrupt POLE protein function with a negative predictive value of 80%. In summary, the available evidence is currently insufficient to determine the role of this variant in disease. Therefore, it has been classified as a Variant of Uncertain Significance.

GeneDx
Classification: Uncertain significance. Last evaluated: 2024-08-08. Review status: criteria provided, single submitter. Criteria: GeneDx Variant Classification Process June 2021. Collection method: clinical testing. Allele origin: germline. Affected: yes.
Comment: In silico analysis supports that this missense variant has a deleterious effect on protein structure/function; Has not been previously published as pathogenic or benign to our knowledge

NM_006231.4(POLE):c.1742C>T (p.Ala581Val)

Gene: POLE (DNA polymerase epsilon, catalytic subunit; minus strand). Cytogenetic location: 12q24.33.
Variant type: single nucleotide variant.
Coding change: c.1742C>T on transcript NM_006231.4 (MANE Select); coding-DNA position 1742, C replaced by T.
Protein change: p.Ala581Val; replaces alanine 581 with valine.
Molecular consequence: missense variant.
Genome position (GRCh38, 1-based): chr12:132,672,267, G>A on the plus strand (C>T on the coding strand, the complement: POLE is on the minus strand). VCF-style: chr12-132672267-G-A. GRCh37 (hg19) VCF-style: chr12-133248853-G-A.
Other names: c.1742C>T (NM_006231.2); short protein forms A581V.
Identifiers: ClinVar variation 1430525 (VCV001430525.10), dbSNP rs753890723, ClinGen allele CA6893842.